The following is an entry in ClinVar:

ClinVar aggregate classification (germline): Uncertain significance. Review status: criteria provided, multiple submitters, no conflicts (2 of 4 stars). 2 submissions from 2 submitters: Uncertain significance (2). Last evaluated 2025-03-15.

Conditions:
Severe X-linked myotubular myopathy (CNMX). Also called: X-linked centronuclear myopathy; Myotubular myopathy, X-linked; MYOTUBULAR MYOPATHY 1. Identifiers: Orphanet 596, MedGen C0410203, MONDO:0010683, OMIM 310400.

Submissions (2):

Labcorp Genetics (formerly Invitae), Labcorp
Classification: Uncertain significance for Severe X-linked myotubular myopathy. Last evaluated: 2025-03-15. Review status: criteria provided, single submitter. Criteria: Invitae Variant Classification Sherloc (09022015). Collection method: clinical testing. Allele origin: germline.
Comment: This sequence change replaces histidine, which is basic and polar, with glutamine, which is neutral and polar, at codon 416 of the MTM1 protein (p.His416Gln). This variant is not present in population databases (gnomAD no frequency). This variant has not been reported in the literature in individuals affected with MTM1-related conditions. Invitae Evidence Modeling of protein sequence and biophysical properties (such as structural, functional, and spatial information, amino acid conservation, physicochemical variation, residue mobility, and thermodynamic stability) indicates that this missense variant is expected to disrupt MTM1 protein function with a positive predictive value of 95%. In summary, the available evidence is currently insufficient to determine the role of this variant in disease. Therefore, it has been classified as a Variant of Uncertain Significance.

Genomic Diagnostic Laboratory, Division of Genomic Diagnostics, Children's Hospital of Philadelphia
Classification: Uncertain significance for Severe X-linked myotubular myopathy. Last evaluated: 2024-12-19. Review status: criteria provided, single submitter. Criteria: DGD Variant Analysis Guidelines. Collection method: clinical testing. Allele origin: germline. Affected: yes. Observed: 1 variant allele.

NM_000252.3(MTM1):c.1248T>G (p.His416Gln)

Gene: MTM1 (myotubularin 1; plus strand). Cytogenetic location: Xq28.
Variant type: single nucleotide variant.
Coding change: c.1248T>G on transcript NM_000252.3 (MANE Select); coding-DNA position 1248, T replaced by G.
Protein change: p.His416Gln; replaces histidine 416 with glutamine.
Molecular consequence: missense variant.
Genome position (GRCh38, 1-based): chrX:150,658,015, T>G. VCF-style: chrX-150658015-T-G. GRCh37 (hg19) VCF-style: chrX-149826488-T-G.
Other names: c.1248T>G, p.His416Gln (NM_001376906.1, NM_001376908.1); c.1137T>G, p.His379Gln (NM_001376907.1); short protein forms H379Q, H416Q.
Identifiers: ClinVar variation 4071484 (VCV004071484.2).